The following is an entry in ClinVar:

NM_032383.5(HPS3):c.2808G>A (p.Trp936Ter)

Genes: CP (ceruloplasmin; minus strand), HPS3 (HPS3 biogenesis of lysosomal organelles complex 2 subunit 1; plus strand). Cytogenetic location: 3q24.
Variant type: single nucleotide variant.
Coding change: c.2808G>A on transcript NM_032383.5 (MANE Select); coding-DNA position 2808, G replaced by A.
Protein change: p.Trp936Ter; replaces tryptophan 936 with a stop codon.
Molecular consequence: nonsense.
Genome position (GRCh38, 1-based): chr3:149,167,904, G>A. VCF-style: chr3-149167904-G-A. GRCh37 (hg19) VCF-style: chr3-148885691-G-A.
Other names: c.2808G>A (NM_032383.4); c.2313G>A, p.Trp771Ter (NM_001308258.2); short protein forms W771*, W936*.
Identifiers: ClinVar variation 2676079 (VCV002676079.3), dbSNP rs760255783, ClinGen allele CA2660478.
Genomic context (GRCh38, chr3:149,167,904, plus strand): 5'-GAGAATAAAATGCATCAAACTAAAATTTATTCATTTTTTCCTAAGATAGACTCTGTGGTG[G>A]AAAAAACTGTTGCCTGAACTTTGTCAGAGAATAAAATGTGGTGGAGAGAAGTATCAACTC-3'

ClinVar aggregate classification (germline): Likely pathogenic. Review status: criteria provided, multiple submitters, no conflicts (2 of 4 stars). 2 submissions from 2 submitters: Likely pathogenic (2). Last evaluated 2025-06-18.

Conditions:
Hermansky-Pudlak syndrome 3 (HPS3). Identifiers: Orphanet 231512, Orphanet 79430, MedGen C3888001, MONDO:0013555, OMIM 614072.
Hermansky-Pudlak syndrome (HPS). Also called: ALBINISM WITH HEMORRHAGIC DIATHESIS AND PIGMENTED RETICULOENDOTHELIAL CELLS. Identifiers: Orphanet 79430, MedGen C0079504, MONDO:0019312.

Allele frequency attached by ClinVar (database versions not stated): ExAC 0.00001; gnomAD exomes below 0.00001.
gnomAD v4.1: 1 of 1,598,858 alleles (0.000063%); highest among the groups gnomAD compares: East Asian, 0.0022%; no homozygotes.

Submissions (2):

Natera, Inc.
Classification: Likely pathogenic for Hermansky-Pudlak syndrome. Last evaluated: 2025-06-18. Review status: criteria provided, single submitter. Criteria: Natera Variant Classification Schema (03/2026). Collection method: clinical testing. Allele origin: germline.
Comment: The c.2808G>A variant in HPS3 is a nonsense variant predicted to introduce a stop codon at amino acid 936. This variant is expected to result in nonsense mediated decay, truncation, or a dysfunctional protein product. This variant is rare in the general population with a frequency below the threshold expected for the associated phenotype(s). Given the available evidence, this variant is classified as Likely Pathogenic.

Baylor Genetics
Classification: Likely pathogenic for Hermansky-Pudlak syndrome 3. Last evaluated: 2024-03-27. Review status: criteria provided, single submitter. Criteria: ACMG Guidelines, 2015. Collection method: clinical testing. Allele origin: unknown.